The following is an entry in ClinVar:

ClinVar aggregate classification (germline): Likely benign (1 of 4 stars; one submission).

Allele frequency attached by ClinVar (database versions not stated): gnomAD 0.00002; gnomAD exomes 0.00003; TOPMed 0.00005; ExAC 0.00040.
gnomAD v4.1: 41 of 1,537,588 alleles (0.0027%); highest among the groups gnomAD compares: South Asian, 0.03%; no homozygotes.

Submission:

Women's Health and Genetics/Laboratory Corporation of America, LabCorp
Classification: Likely benign. Last evaluated: 2024-04-15. Review status: criteria provided, single submitter. Criteria: LabCorp Variant Classification Summary - May 2015. Collection method: clinical testing. Allele origin: germline.
Comment: Variant summary: SETD1B c.4372C>T (p.Arg1458Cys) results in a non-conservative amino acid change in the encoded protein sequence. Three of four in-silico tools predict a damaging effect of the variant on protein function. The variant allele was found at a frequency of 0.00017 in 138264 control chromosomes, predominantly at a frequency of 0.00071 within the South Asian subpopulation in the gnomAD database. The occurrence in several carriers suggests that this variant is likely not associated with a high penetrance, severe, early onset disease phenotype in heterozygous state. To our knowledge, no occurrence of c.4372C>T in individuals affected with Intellectual Developmental Disorder With Seizures And Language Delay and no experimental evidence demonstrating its impact on protein function have been reported. No submitters have cited clinical-significance assessments for this variant to ClinVar. Based on the evidence outlined above, the variant was classified as likely benign.

NM_001353345.2(SETD1B):c.4372C>T (p.Arg1458Cys)

Gene: SETD1B (SET domain containing 1B, histone lysine methyltransferase; plus strand). Cytogenetic location: 12q24.31.
Variant type: single nucleotide variant.
Coding change: c.4372C>T on transcript NM_001353345.2 (MANE Select); coding-DNA position 4372, C replaced by T.
Protein change: p.Arg1458Cys; replaces arginine 1458 with cysteine.
Molecular consequence: missense variant.
Genome position (GRCh38, 1-based): chr12:121,822,951, C>T. VCF-style: chr12-121822951-C-T. GRCh37 (hg19) VCF-style: chr12-122260857-C-T.
Other names: short protein forms R1458C.
Identifiers: ClinVar variation 3251269 (VCV003251269.1), dbSNP rs761736639.